The following is an entry in ClinVar:

ClinVar aggregate classification (germline): Uncertain significance (1 of 4 stars; one submission).

Submission:

Labcorp Genetics (formerly Invitae), Labcorp
Classification: Uncertain significance. Last evaluated: 2024-05-12. Review status: criteria provided, single submitter. Criteria: Invitae Variant Classification Sherloc (09022015). Collection method: clinical testing. Allele origin: germline.
Comment: This sequence change replaces glutamine, which is neutral and polar, with glutamic acid, which is acidic and polar, at codon 100 of the GCM2 protein (p.Gln100Glu). This variant is not present in population databases (gnomAD no frequency). This variant has not been reported in the literature in individuals affected with GCM2-related conditions. Advanced modeling of protein sequence and biophysical properties (such as structural, functional, and spatial information, amino acid conservation, physicochemical variation, residue mobility, and thermodynamic stability) performed at Invitae indicates that this missense variant is expected to disrupt GCM2 protein function with a positive predictive value of 80%. In summary, the available evidence is currently insufficient to determine the role of this variant in disease. Therefore, it has been classified as a Variant of Uncertain Significance.

NM_004752.4(GCM2):c.298C>G (p.Gln100Glu)

Gene: GCM2 (glial cells missing transcription factor 2; minus strand). Cytogenetic location: 6p24.2.
Variant type: single nucleotide variant.
Coding change: c.298C>G on transcript NM_004752.4 (MANE Select); coding-DNA position 298, C replaced by G.
Protein change: p.Gln100Glu; replaces glutamine 100 with glutamic acid.
Molecular consequence: missense variant.
Genome position (GRCh38, 1-based): chr6:10,877,185, G>C on the plus strand (C>G on the coding strand, the complement: GCM2 is on the minus strand). VCF-style: chr6-10877185-G-C. GRCh37 (hg19) VCF-style: chr6-10877418-G-C.
Other names: short protein forms Q100E.
Identifiers: ClinVar variation 3653076 (VCV003653076.2).